The following is an entry in ClinVar:

NM_005560.6(LAMA5):c.1282+3G>T

Gene: LAMA5 (laminin subunit alpha 5; minus strand). Cytogenetic location: 20q13.33.
Variant type: single nucleotide variant.
Coding change: c.1282+3G>T on transcript NM_005560.6 (MANE Select); 3 bases into the intron after coding-DNA position 1282, G replaced by T.
Molecular consequence: intron variant.
Genome position (GRCh38, 1-based): chr20:62,346,503, C>A on the plus strand (G>T on the coding strand, the complement: LAMA5 is on the minus strand). VCF-style: chr20-62346503-C-A. GRCh37 (hg19) VCF-style: chr20-60921559-C-A.
Identifiers: ClinVar variation 2571704 (VCV002571704.1), dbSNP rs778162852, ClinGen allele CA9944017.
Genomic context (GRCh38, chr20:62,346,503, plus strand): 5'-AAGAACACCTCTTTCCAGGCAGACCCTGAGACCCAGGACACCCGCCCAGCTGAGCCCACT[C>A]ACGGCGGCAGACGTGGGGCGAGTCGAGAGGGTGGTTGGGAGAGCGGTAGAAGCCGGGCAG-3'

ClinVar aggregate classification (germline): Uncertain significance (1 of 4 stars; one submission).

Allele frequency attached by ClinVar (database versions not stated): ExAC 0.00010.

Submission:

GeneDx
Classification: Uncertain significance. Last evaluated: 2023-01-06. Review status: criteria provided, single submitter. Criteria: GeneDx Variant Classification Process June 2021. Collection method: clinical testing. Allele origin: germline. Affected: yes.
Comment: In silico analysis supports a deleterious effect on splicing; Has not been previously published as pathogenic or benign to our knowledge; Variants in candidate genes are classified as variants of uncertain significance in accordance with ACMG guidelines (Richards et al., 2015)